The following is an entry in ClinVar:

ClinVar aggregate classification (germline): Pathogenic (0 of 4 stars; one submission).

Conditions:
TSC1-related disorder. Also called: TSC1-related condition.

Submission:

PreventionGenetics, part of Exact Sciences
Classification: Pathogenic for TSC1-related condition. Last evaluated: 2024-01-18. Review status: no assertion criteria provided. Collection method: clinical testing. Allele origin: germline.
Comment: The TSC1 c.1574_1584delinsTTTCCAAGGG variant is predicted to result in a frameshift and premature protein termination (p.Ser525Ilefs*7). To our knowledge, this variant has not been reported in the literature or in a large population database, indicating this variant is rare. Frameshift variants in TSC1 are expected to be pathogenic. This variant is interpreted as pathogenic.

NM_000368.5(TSC1):c.1574_1584delinsTTTCCAAGGG (p.Ser525fs)

Gene: TSC1 (TSC complex subunit 1; minus strand). Cytogenetic location: 9q34.13.
Variant type: Indel.
Coding change: c.1574_1584delinsTTTCCAAGGG on transcript NM_000368.5 (MANE Select); coding-DNA positions 1574 to 1584, GTTCTCAGGGC replaced by TTTCCAAGGG.
Protein change: p.Ser525fs; shifts the reading frame from serine 525.
Molecular consequence: frameshift variant. On other transcripts: non-coding transcript variant (5).
Genome position (GRCh38, 1-based): chr9:132,905,994-132,906,004, GCCCTGAGAAC replaced by CCCTTGGAAA on the plus strand (GTTCTCAGGGC replaced by TTTCCAAGGG on the coding strand, the reverse complement: TSC1 is on the minus strand). VCF-style: chr9-132905994-GCCCTGAGAAC-CCCTTGGAAA. GRCh37 (hg19) VCF-style: chr9-135781381-GCCCTGAGAAC-CCCTTGGAAA.
Other names: c.1574_1584delGTTCTCAGGGCinsTTTCCAAGGG, p.Ser525Ilefs (NM_000368.4); c.1571_1581delinsTTTCCAAGGG, p.Ser524fs (NM_001162426.2, NM_001406597.1, NM_001406598.1 and 6 more transcripts); c.1421_1431delinsTTTCCAAGGG, p.Ser474fs (NM_001162427.2, NM_001406610.1); c.1211_1221delinsTTTCCAAGGG, p.Ser404fs (NM_001362177.2, NM_001406614.1, NM_001406615.1 and 5 more transcripts); c.1574_1584delinsTTTCCAAGGG, p.Ser525fs (NM_001406592.1, NM_001406593.1, NM_001406594.1 and 7 more transcripts); c.1418_1428delinsTTTCCAAGGG, p.Ser473fs (NM_001406611.1, NM_001406612.1, NM_001406613.1); c.1208_1218delinsTTTCCAAGGG, p.Ser403fs (NM_001406620.1, NM_001406621.1, NM_001406622.1 and 2 more transcripts); c.623_633delinsTTTCCAAGGG, p.Ser208fs (NM_001406626.1); and 2 more; short protein forms S174fs, S207fs, S208fs, S403fs, S404fs, S473fs, S474fs, S524fs.
Identifiers: ClinVar variation 3061108 (VCV003061108.2), dbSNP rs2538736435, ClinGen allele CA2740090859.